The following is an entry in ClinVar:

NM_001164508.2(NEB):c.10358C>A (p.Thr3453Lys)

Gene: NEB (nebulin; minus strand). Cytogenetic location: 2q23.3.
Variant type: single nucleotide variant.
Coding change: c.10358C>A on transcript NM_001164508.2 (MANE Select); coding-DNA position 10358, C replaced by A.
Protein change: p.Thr3453Lys; replaces threonine 3453 with lysine.
Molecular consequence: missense variant.
Genome position (GRCh38, 1-based): chr2:151,625,628, G>T on the plus strand (C>A on the coding strand, the complement: NEB is on the minus strand). VCF-style: chr2-151625628-G-T. GRCh37 (hg19) VCF-style: chr2-152482142-G-T.
Other names: c.10358C>A, p.Thr3453Lys (NM_001164507.2, NM_001271208.2); c.9629C>A, p.Thr3210Lys (NM_004543.5); short protein forms T3210K, T3453K.
Identifiers: ClinVar variation 942049 (VCV000942049.3), dbSNP rs781408732, ClinGen allele CA348791397.

ClinVar aggregate classification (germline): Uncertain significance (1 of 4 stars; one submission).

Conditions:
Nemaline myopathy 2 (NEM2). Also called: Nemaline myopathy 2, autosomal recessive. Identifiers: MedGen C1850569, MONDO:0009725, OMIM 256030.

gnomAD v4.1: 1 of 1,600,690 alleles (0.000062%); highest among the groups gnomAD compares: Non-Finnish European, 0.000085%; no homozygotes.

Submission:

Labcorp Genetics (formerly Invitae), Labcorp
Classification: Uncertain significance for Nemaline myopathy 2. Last evaluated: 2021-08-28. Review status: criteria provided, single submitter. Criteria: Invitae Variant Classification Sherloc (09022015). Collection method: clinical testing. Allele origin: germline.
Comment: This sequence change replaces threonine with lysine at codon 3453 of the NEB protein (p.Thr3453Lys). The threonine residue is moderately conserved and there is a moderate physicochemical difference between threonine and lysine. This variant is not present in population databases (ExAC no frequency). This variant has not been reported in the literature in individuals affected with NEB-related conditions. Algorithms developed to predict the effect of missense changes on protein structure and function are either unavailable or do not agree on the potential impact of this missense change (SIFT: "Deleterious"; PolyPhen-2: "Not Available"; Align-GVGD: "Class C0"). In summary, the available evidence is currently insufficient to determine the role of this variant in disease. Therefore, it has been classified as a Variant of Uncertain Significance.